The following is an entry in ClinVar:

ClinVar aggregate classification (germline): Uncertain significance (1 of 4 stars; one submission).

Conditions:
Intellectual developmental disorder, autosomal recessive 45. Also called: Intellectual disability, autosomal recessive 45. Identifiers: Orphanet 88616, MedGen C4014864, MONDO:0014430, OMIM 615979.

Allele frequency attached by ClinVar (database versions not stated): gnomAD exomes 0.00001; TOPMed below 0.00001.
gnomAD v4.1: 3 of 1,267,070 alleles (0.00024%); highest among the groups gnomAD compares: South Asian, 0.0028%; no homozygotes.

Submission:

Baylor Genetics
Classification: Uncertain significance for Intellectual developmental disorder, autosomal recessive 45. Last evaluated: 2018-03-23. Review status: criteria provided, single submitter. Criteria: ACMG Guidelines, 2015. Collection method: clinical testing. Allele origin: unknown. Affected: yes.
Comment: This variant was determined to be of uncertain significance according to ACMG Guidelines, 2015 [PMID:25741868].

NM_024735.5(FBXO31):c.44G>A (p.Gly15Glu)

Gene: FBXO31 (F-box protein 31; minus strand). Cytogenetic location: 16q24.2.
Variant type: single nucleotide variant.
Coding change: c.44G>A on transcript NM_024735.5 (MANE Select); coding-DNA position 44, G replaced by A.
Protein change: p.Gly15Glu; replaces glycine 15 with glutamic acid.
Molecular consequence: missense variant. On other transcripts: intron variant (1).
Genome position (GRCh38, 1-based): chr16:87,383,701, C>T on the plus strand (G>A on the coding strand, the complement: FBXO31 is on the minus strand). VCF-style: chr16-87383701-C-T. GRCh37 (hg19) VCF-style: chr16-87417307-C-T.
Other names: c.-177+6036G>A (NM_001282683.2); short protein forms G15E.
Identifiers: ClinVar variation 1034069 (VCV001034069.1), dbSNP rs1235563636, ClinGen allele CA397028868.